The following is an entry in ClinVar:

NM_001148.6(ANK2):c.6516T>G (p.Ser2172Arg)

Gene: ANK2 (ankyrin 2; plus strand). Cytogenetic location: 4q26.
Variant type: single nucleotide variant.
Coding change: c.6516T>G on transcript NM_001148.6 (MANE Select); coding-DNA position 6516, T replaced by G.
Protein change: p.Ser2172Arg; replaces serine 2172 with arginine.
Molecular consequence: missense variant. On other transcripts: intron variant (68).
Genome position (GRCh38, 1-based): chr4:113,355,134, T>G. VCF-style: chr4-113355134-T-G. GRCh37 (hg19) VCF-style: chr4-114276290-T-G.
Other names: c.6282T>G, p.Ser2094Arg (NM_001386142.1); c.2916T>G, p.Ser972Arg (NM_001386166.1); c.6657T>G, p.Ser2219Arg (NM_001386174.1); c.6633T>G, p.Ser2211Arg (NM_001386175.1); c.4411+4885T>G (NM_001386186.2, NM_001386148.2); c.4213+4885T>G (NM_001354269.3); c.4291+4885T>G (NM_001386187.2); c.4252+4885T>G (NM_001386147.1); and 35 more; short protein forms S2172R, S2094R, S2211R, S2219R, S972R.
Identifiers: ClinVar variation 654123 (VCV000654123.1), dbSNP rs1588946738, ClinGen allele CA357924125.

ClinVar aggregate classification (germline): Uncertain significance (1 of 4 stars; one submission).

Conditions:
Long QT syndrome (LQTS). Identifiers: MedGen C0023976, MeSH D008133, MONDO:0002442. Disease mechanism: loss of function. Inheritance: Various modes of inheritance.

Allele frequency attached by ClinVar (database versions not stated): gnomAD exomes below 0.00001.
gnomAD v4.1: 1 of 1,614,104 alleles (0.000062%); highest among the groups gnomAD compares: Non-Finnish European, 0.000085%; no homozygotes.

Submission:

Labcorp Genetics (formerly Invitae), Labcorp
Classification: Uncertain significance for Long QT syndrome. Last evaluated: 2018-12-04. Review status: criteria provided, single submitter. Criteria: Invitae Variant Classification Sherloc (09022015). Collection method: clinical testing. Allele origin: germline.
Comment: This sequence change replaces serine with arginine at codon 2172 of the ANK2 protein (p.Ser2172Arg). The serine residue is moderately conserved and there is a moderate physicochemical difference between serine and arginine. This variant is not present in population databases (ExAC no frequency). This variant has not been reported in the literature in individuals with ANK2-related conditions. Algorithms developed to predict the effect of missense changes on protein structure and function are either unavailable or do not agree on the potential impact of this missense change (SIFT: "Tolerated"; PolyPhen-2: "Probably Damaging"; Align-GVGD: "Class C0"). In summary, the available evidence is currently insufficient to determine the role of this variant in disease. Therefore, it has been classified as a Variant of Uncertain Significance.